The following is an entry in ClinVar:

ClinVar aggregate classification (germline): Uncertain significance (1 of 4 stars; one submission).

gnomAD v4.1: 3 of 1,612,868 alleles (0.00019%); highest among the groups gnomAD compares: South Asian, 0.0011%; no homozygotes.

Submission:

Labcorp Genetics (formerly Invitae), Labcorp
Classification: Uncertain significance. Last evaluated: 2024-02-07. Review status: criteria provided, single submitter. Criteria: Invitae Variant Classification Sherloc (09022015). Collection method: clinical testing. Allele origin: germline.
Comment: This sequence change replaces isoleucine, which is neutral and non-polar, with valine, which is neutral and non-polar, at codon 582 of the GUF1 protein (p.Ile582Val). This variant is present in population databases (no rsID available, gnomAD 0.003%). This variant has not been reported in the literature in individuals affected with GUF1-related conditions. Algorithms developed to predict the effect of missense changes on protein structure and function output the following: SIFT: "Not Available"; PolyPhen-2: "Benign"; Align-GVGD: "Not Available". The valine amino acid residue is found in multiple mammalian species, which suggests that this missense change does not adversely affect protein function. In summary, the available evidence is currently insufficient to determine the role of this variant in disease. Therefore, it has been classified as a Variant of Uncertain Significance.

NM_021927.3(GUF1):c.1744A>G (p.Ile582Val)

Gene: GUF1 (GTP binding elongation factor GUF1; plus strand). Cytogenetic location: 4p12.
Variant type: single nucleotide variant.
Coding change: c.1744A>G on transcript NM_021927.3 (MANE Select); coding-DNA position 1744, A replaced by G.
Protein change: p.Ile582Val; replaces isoleucine 582 with valine.
Molecular consequence: missense variant. On other transcripts: intron variant (1).
Genome position (GRCh38, 1-based): chr4:44,695,643, A>G. VCF-style: chr4-44695643-A-G. GRCh37 (hg19) VCF-style: chr4-44697660-A-G.
Other names: c.772A>G, p.Ile258Val (NM_001345867.2, NM_001345869.2); c.1715+1130A>G (NM_001345868.2); short protein forms I582V, I258V.
Identifiers: ClinVar variation 3701957 (VCV003701957.2).
Genomic context (GRCh38, chr4:44,695,643, plus strand): 5'-GATATATAAACAGTTGTATTTTTCTGTCTCAGAGACAAAGCTCATTCAATTGGCAAAGCC[A>G]TATGTGAACGGCTGAAGGATTCTCTTCCTAGGCAACTGTTTGAGATAGCAATTCAAGCTG-3'
Protein context (NP_068746.2, residues 572-592): KDKAHSIGKA[Ile582Val]CERLKDSLPR